The following is an entry in ClinVar:

ClinVar aggregate classification (germline): Uncertain significance (1 of 4 stars; one submission).

gnomAD v4.1: 3 of 1,613,904 alleles (0.00019%); highest among the groups gnomAD compares: African/African-American, 0.004%; no homozygotes.

Submission:

Labcorp Genetics (formerly Invitae), Labcorp
Classification: Uncertain significance. Last evaluated: 2024-04-09. Review status: criteria provided, single submitter. Criteria: Invitae Variant Classification Sherloc (09022015). Collection method: clinical testing. Allele origin: germline.
Comment: This sequence change replaces glycine, which is neutral and non-polar, with alanine, which is neutral and non-polar, at codon 714 of the CCDC141 protein (p.Gly714Ala). This variant is present in population databases (rs766972842, gnomAD 0.007%). This variant has not been reported in the literature in individuals affected with CCDC141-related conditions. An algorithm developed to predict the effect of missense changes on protein structure and function (PolyPhen-2) suggests that this variant is likely to be disruptive. In summary, the available evidence is currently insufficient to determine the role of this variant in disease. Therefore, it has been classified as a Variant of Uncertain Significance.

NM_173648.4(CCDC141):c.2141G>C (p.Gly714Ala)

Genes: CCDC141 (coiled-coil domain containing 141; minus strand), LOC126806434 (MED14-independent group 3 enhancer GRCh37_chr2:179735609-179736808; plus strand). Cytogenetic location: 2q31.2.
Variant type: single nucleotide variant.
Coding change: c.2141G>C on transcript NM_173648.4 (MANE Select); coding-DNA position 2141, G replaced by C.
Protein change: p.Gly714Ala; replaces glycine 714 with alanine.
Molecular consequence: missense variant.
Genome position (GRCh38, 1-based): chr2:178,871,491, C>G on the plus strand (G>C on the coding strand, the complement: CCDC141 is on the minus strand). VCF-style: chr2-178871491-C-G. GRCh37 (hg19) VCF-style: chr2-179736218-C-G.
Other names: short protein forms G714A.
Identifiers: ClinVar variation 3676249 (VCV003676249.2).
Genomic context (GRCh38, chr2:178,871,491, plus strand): 5'-AACTGAGGCTTCATGTCATTCCATTTTTGTCGTAGATCTAAAATGAACTGGAGGCTCCCT[C>G]CGAGGTCAAGTGCAGACACAGGCATAAGTGCTTCCTGAAGAAGTTTTAAGTTGTGAGAAG-3'
Protein context (NP_775919.3, residues 704-724): ALMPVSALDL[Gly714Ala]GSLQFILDLR